The following is an entry in ClinVar:

ClinVar aggregate classification (germline): Uncertain significance (1 of 4 stars; one submission).

Conditions:
RASopathy. Also called: rasopathies; Noonan spectrum disorder. Identifiers: Orphanet 536391, MedGen C5555857, MONDO:0021060.

Submission:

Labcorp Genetics (formerly Invitae), Labcorp
Classification: Uncertain significance for RASopathy. Last evaluated: 2022-04-19. Review status: criteria provided, single submitter. Criteria: Invitae Variant Classification Sherloc (09022015). Collection method: clinical testing. Allele origin: germline.
Comment: In summary, the available evidence is currently insufficient to determine the role of this variant in disease. Therefore, it has been classified as a Variant of Uncertain Significance. Advanced modeling of protein sequence and biophysical properties (such as structural, functional, and spatial information, amino acid conservation, physicochemical variation, residue mobility, and thermodynamic stability) performed at Invitae indicates that this missense variant is expected to disrupt SOS1 protein function. This variant has not been reported in the literature in individuals affected with SOS1-related conditions. This variant is not present in population databases (gnomAD no frequency). This sequence change replaces glutamic acid, which is acidic and polar, with valine, which is neutral and non-polar, at codon 583 of the SOS1 protein (p.Glu583Val).

NM_005633.4(SOS1):c.1748A>T (p.Glu583Val)

Gene: SOS1 (SOS Ras/Rac guanine nucleotide exchange factor 1; minus strand). Cytogenetic location: 2p22.1.
Variant type: single nucleotide variant.
Coding change: c.1748A>T on transcript NM_005633.4 (MANE Select); coding-DNA position 1748, A replaced by T.
Protein change: p.Glu583Val; replaces glutamic acid 583 with valine.
Molecular consequence: missense variant.
Genome position (GRCh38, 1-based): chr2:39,022,680, T>A on the plus strand (A>T on the coding strand, the complement: SOS1 is on the minus strand). VCF-style: chr2-39022680-T-A. GRCh37 (hg19) VCF-style: chr2-39249821-T-A.
Other names: c.1727A>T, p.Glu576Val (NM_001382394.1); c.1748A>T, p.Glu583Val (NM_001382395.1); short protein forms E576V, E583V.
Identifiers: ClinVar variation 2111180 (VCV002111180.4), dbSNP rs2529034521, ClinGen allele CA346365473.
Genomic context (GRCh38, chr2:39,022,680, plus strand): 5'-GCTTTGATAATTGGAATTCCAGCCTTGGGCTGCATGTTCTCTTCAAATATAATATTCTCT[T>A]CAGAGTCAGGCTCTGCAAATCTATAAACATCAGCACTAGGCAGCCTCATCTGCTCCTCTT-3'
Protein context (NP_005624.2, residues 573-593): DVYRFAEPDS[Glu583Val]ENIIFEENMQ